The following is an entry in ClinVar:

ClinVar aggregate classification (germline): Likely benign. Review status: criteria provided, multiple submitters, no conflicts (2 of 4 stars). 2 submissions from 2 submitters: Likely benign (2). Last evaluated 2024-11-22.

Allele frequency attached by ClinVar (database versions not stated): 1000 Genomes Project 30x 0.00125; TOPMed 0.00138; ESP Exome Variant Server 0.00154; 1000 Genomes Project 0.00160.
gnomAD v4.1: 4,064 of 1,613,706 alleles (0.25%); highest among the groups gnomAD compares: Middle Eastern, 0.43%; 21 homozygotes.

Submissions (2):

Blueprint Genetics
Classification: Likely benign. Last evaluated: 2024-11-22. Review status: criteria provided, single submitter. Criteria: ACMG Guidelines, 2015. Collection method: clinical testing. Allele origin: germline.

CeGaT Center for Human Genetics Tuebingen
Classification: Likely benign. Last evaluated: 2022-12-01. Review status: criteria provided, single submitter. Criteria: CeGaT Center For Human Genetics Tuebingen Variant Classification Criteria Version 2. Collection method: clinical testing. Allele origin: germline. Affected: yes. Observed: 2 variant alleles.
Comment: FLG: BP4, BP7

NM_002016.2(FLG):c.9699G>A (p.Gly3233=)

Genes: CCDST (cervical cancer associated DHX9 suppressive transcript; plus strand), FLG (filaggrin; minus strand). Cytogenetic location: 1q21.3.
Variant type: single nucleotide variant.
Coding change: c.9699G>A on transcript NM_002016.2 (MANE Select); coding-DNA position 9699, G replaced by A.
Protein change: p.Gly3233=; no amino-acid change (glycine 3233 retained).
Molecular consequence: synonymous variant.
Genome position (GRCh38, 1-based): chr1:152,305,187, C>T on the plus strand (G>A on the coding strand, the complement: FLG is on the minus strand). VCF-style: chr1-152305187-C-T. GRCh37 (hg19) VCF-style: chr1-152277663-C-T.
Identifiers: ClinVar variation 2639248 (VCV002639248.25), dbSNP rs140148415, ClinGen allele CA1103729.
Genomic context (GRCh38, chr1:152,305,187, plus strand): 5'-GTGTCTGGAGCCGTGCCTTGACTGCTCCTGAACAGATCCACGATGGTTTCTGGAAGCAGA[C>T]CCAGACCACCTCTCAGAGTCTTCTGAATGTCCCTCACTGTCACTGTCCTGGCTCACACTG-3'
Protein context (NP_002007.1, residues 3223-3243): GHSEDSERWS[Gly3233=]SASRNHRGSV